The following is an entry in ClinVar:

NM_007294.4(BRCA1):c.5485G>T (p.Glu1829Ter)

Gene: BRCA1 (BRCA1 DNA repair associated; minus strand). Cytogenetic location: 17q21.31.
Variant type: single nucleotide variant.
Coding change: c.5485G>T on transcript NM_007294.4 (MANE Select); coding-DNA position 5485, G replaced by T.
Protein change: p.Glu1829Ter; replaces glutamic acid 1829 with a stop codon.
Molecular consequence: nonsense. On other transcripts: stop lost (17), non-coding transcript variant (1).
Genome position (GRCh38, 1-based): chr17:43,045,785, C>A on the plus strand (G>T on the coding strand, the complement: BRCA1 is on the minus strand). VCF-style: chr17-43045785-C-A. GRCh37 (hg19) VCF-style: chr17-41197802-C-A.
Other names: *700L; c.5485G>T, p.Glu1829Ter (NM_001407605.1, NM_001407593.1, NM_001407594.1 and 5 more transcripts); c.5482G>T, p.Glu1828Ter (NM_001407610.1, NM_001407611.1, NM_001407612.1 and 14 more transcripts); c.5341G>T, p.Glu1781Ter (NM_001407752.1, NM_001407733.1, NM_001407734.1 and 18 more transcripts); c.5338G>T, p.Glu1780Ter (NM_001407838.1, NM_001407839.1, NM_001407841.1 and 12 more transcripts); c.5221G>T, p.Glu1741Ter (NM_001407925.1, NM_001407926.1, NM_001407920.1 and 4 more transcripts); c.5218G>T, p.Glu1740Ter (NM_001407927.1, NM_001407928.1, NM_001407929.1 and 4 more transcripts); c.5215G>T, p.Glu1739Ter (NM_001407934.1, NM_001407935.1, NM_001407936.1); and 84 more; short protein forms E1782*, E725*, E1829*, E1850*, E1660*, E1701*, E1717*, E1781*.
Identifiers: ClinVar variation 868584 (VCV000868584.3), dbSNP rs869320789, ClinGen allele CA10590337.

Conditions:
Breast-ovarian cancer, familial, susceptibility to, 1 (BROVCA1). Also called: BRCA1 Hereditary Breast and Ovarian Cancer; OVARIAN CANCER, SUSCEPTIBILITY TO. Identifiers: Orphanet 145, MedGen C2676676, MONDO:0011450, OMIM 604370. Disease mechanism: loss of function.

Submission:

Brotman Baty Institute, University of Washington
No classification provided (evidence only). Condition: Breast-ovarian cancer, familial 1. Review status: no classification provided. Collection method: in vitro. Allele origin: not applicable. Functional consequence: functionally_abnormal.
ClinVar note: "not provided" was previously submitted as the classification for the variant. However, the classification appeared to be based only on an observation of functional data so it was converted to no classification on 2025-07-30.